The following is an entry in ClinVar:

ClinVar aggregate classification (germline): Uncertain significance (1 of 4 stars; one submission).

Allele frequency attached by ClinVar (database versions not stated): ExAC 0.00001; gnomAD 0.00001; gnomAD exomes 0.00001; TOPMed 0.00002.
gnomAD v4.1: 16 of 1,595,628 alleles (0.001%); highest among the groups gnomAD compares: Non-Finnish European, 0.0012%; no homozygotes.

Submission:

GeneDx
Classification: Uncertain significance. Last evaluated: 2020-01-13. Review status: criteria provided, single submitter. Criteria: GeneDx Variant Classification Process June 2021. Collection method: clinical testing. Allele origin: germline. Affected: yes.
Comment: Not observed at a significant frequency in large population cohorts (Lek et al., 2016); In silico analysis, which includes protein predictors and evolutionary conservation, supports that this variant does not alter protein structure/function; Has not been previously published as pathogenic or benign to our knowledge

NM_001164508.2(NEB):c.6775C>A (p.Gln2259Lys)

Gene: NEB (nebulin; minus strand). Cytogenetic location: 2q23.3.
Variant type: single nucleotide variant.
Coding change: c.6775C>A on transcript NM_001164508.2 (MANE Select); coding-DNA position 6775, C replaced by A.
Protein change: p.Gln2259Lys; replaces glutamine 2259 with lysine.
Molecular consequence: missense variant.
Genome position (GRCh38, 1-based): chr2:151,655,302, G>T on the plus strand (C>A on the coding strand, the complement: NEB is on the minus strand). VCF-style: chr2-151655302-G-T. GRCh37 (hg19) VCF-style: chr2-152511816-G-T.
Other names: c.6775C>A, p.Gln2259Lys (NM_001164507.2, NM_001271208.2, NM_004543.5); short protein forms Q2259K.
Identifiers: ClinVar variation 1311733 (VCV001311733.2), dbSNP rs773605767, ClinGen allele CA1910009.